The following is an entry in ClinVar:

NM_018368.4(LMBRD1):c.641A>G (p.Tyr214Cys)

Gene: LMBRD1 (LMBR1 domain containing 1; minus strand). Cytogenetic location: 6q13.
Variant type: single nucleotide variant.
Coding change: c.641A>G on transcript NM_018368.4 (MANE Select); coding-DNA position 641, A replaced by G.
Protein change: p.Tyr214Cys; replaces tyrosine 214 with cysteine.
Molecular consequence: missense variant.
Genome position (GRCh38, 1-based): chr6:69,719,077, T>C on the plus strand (A>G on the coding strand, the complement: LMBRD1 is on the minus strand). VCF-style: chr6-69719077-T-C. GRCh37 (hg19) VCF-style: chr6-70428969-T-C.
Other names: c.422A>G, p.Tyr141Cys (NM_001363722.2, NM_001367271.1, NM_001367272.1); c.641A>G (NM_018368.3); short protein forms Y141C, Y214C.
Identifiers: ClinVar variation 2420866 (VCV002420866.7), dbSNP rs910691626, ClinGen allele CA140856623.
Genomic context (GRCh38, chr6:69,719,077, plus strand): 5'-CGTTCATAAGCAGCGCTTCTAGTGCCTTTTATCAGATTTAAAGGTAACGCAGACATGCCA[T>C]AGGCCTAAAAGAAAAACAATTGAAATGTTTTAGAAATAATGTTTCAAACATATTATACAC-3'
Protein context (NP_060838.3, residues 204-224): GMLAAITYTA[Tyr214Cys]GMSALPLNLI

ClinVar aggregate classification (germline): Uncertain significance. Review status: criteria provided, multiple submitters, no conflicts (2 of 4 stars). 2 submissions from 2 submitters: Uncertain significance (2). Last evaluated 2025-11-13.

Conditions:
Inborn genetic diseases. Identifiers: MedGen C0950123, MeSH D030342.
Methylmalonic aciduria and homocystinuria type cblF. Also called: VITAMIN B12 LYSOSOMAL RELEASE DEFECT; VITAMIN B12 STORAGE DISEASE; COBALAMIN F DISEASE; COBALAMIN, DEFECT IN LYSOSOMAL RELEASE OF; METHYLMALONIC ACIDEMIA AND HOMOCYSTINURIA, cblF TYPE; METHYLMALONIC ACIDURIA DUE TO VITAMIN B12-RELEASE DEFECT. Identifiers: Orphanet 79284, MedGen C1848578, MONDO:0010183, OMIM 277380.

Allele frequency attached by ClinVar (database versions not stated): gnomAD exomes below 0.00001.
gnomAD v4.1: 2 of 1,612,568 alleles (0.00012%); highest among the groups gnomAD compares: Non-Finnish European, 0.00017%; no homozygotes.

Submissions (2):

Ambry Genetics
Classification: Uncertain significance for Inborn genetic diseases. Last evaluated: 2025-11-13. Review status: criteria provided, single submitter. Criteria: Ambry Variant Classification Scheme 2023. Collection method: clinical testing. Allele origin: germline.

Labcorp Genetics (formerly Invitae), Labcorp
Classification: Uncertain significance for Methylmalonic aciduria and homocystinuria type cblF. Last evaluated: 2025-05-05. Review status: criteria provided, single submitter. Criteria: Invitae Variant Classification Sherloc (09022015). Collection method: clinical testing. Allele origin: germline.
Comment: This sequence change replaces tyrosine, which is neutral and polar, with cysteine, which is neutral and slightly polar, at codon 214 of the LMBRD1 protein (p.Tyr214Cys). This variant is present in population databases (no rsID available, gnomAD 0.0009%). This variant has not been reported in the literature in individuals affected with LMBRD1-related conditions. ClinVar contains an entry for this variant (Variation ID: 2420866). Invitae Evidence Modeling of protein sequence and biophysical properties (such as structural, functional, and spatial information, amino acid conservation, physicochemical variation, residue mobility, and thermodynamic stability) has been performed for this missense variant. However, the output from this modeling did not meet the statistical confidence thresholds required to predict the impact of this variant on LMBRD1 protein function. In summary, the available evidence is currently insufficient to determine the role of this variant in disease. Therefore, it has been classified as a Variant of Uncertain Significance.